The following is an entry in ClinVar:

ClinVar aggregate classification (germline): Uncertain significance. Review status: criteria provided, multiple submitters, no conflicts (2 of 4 stars). 3 submissions from 3 submitters: Uncertain significance (3). Last evaluated 2026-08-28.

Conditions:
Adams-Oliver syndrome 5 (AOS5). Identifiers: Orphanet 974, MedGen C4014970, MONDO:0014459, OMIM 616028.
Familial thoracic aortic aneurysm and aortic dissection (TAAD). Also called: Thoracic aortic aneurysms and dissections. Identifiers: Orphanet 91387, MedGen C4707243, MONDO:0019625.

Allele frequency attached by ClinVar (database versions not stated): TOPMed 0.00001; gnomAD exomes 0.00002.
gnomAD v4.1: 29 of 1,612,744 alleles (0.0018%); highest among the groups gnomAD compares: Non-Finnish European, 0.0024%; no homozygotes.

Submissions (3):

GeneDx
Classification: Uncertain significance. Last evaluated: 2026-08-28. Review status: criteria provided, single submitter. Criteria: GeneDx Variant Classification Process June 2021. Collection method: clinical testing. Allele origin: germline.
Comment: Has not been previously published as pathogenic or benign to our knowledge; In silico analysis supports that this missense variant has a deleterious effect on protein structure/function; Not observed at significant frequency in large population cohorts (gnomAD)

Ambry Genetics
Classification: Uncertain significance for Familial thoracic aortic aneurysm and aortic dissection. Last evaluated: 2025-05-03. Review status: criteria provided, single submitter. Criteria: Ambry Variant Classification Scheme 2023. Collection method: clinical testing. Allele origin: germline.
Comment: The p.S1493F variant (also known as c.4478C>T), located in coding exon 25 of the NOTCH1 gene, results from a C to T substitution at nucleotide position 4478. The serine at codon 1493 is replaced by phenylalanine, an amino acid with highly dissimilar properties. This amino acid position is not well conserved in available vertebrate species. In addition, the in silico prediction for this alteration is inconclusive. Based on the available evidence, the clinical significance of this variant remains unclear.

Labcorp Genetics (formerly Invitae), Labcorp
Classification: Uncertain significance for Adams-Oliver syndrome 5. Last evaluated: 2025-03-07. Review status: criteria provided, single submitter. Criteria: Invitae Variant Classification Sherloc (09022015). Collection method: clinical testing. Allele origin: germline.
Comment: This sequence change replaces serine, which is neutral and polar, with phenylalanine, which is neutral and non-polar, at codon 1493 of the NOTCH1 protein (p.Ser1493Phe). This variant is not present in population databases (gnomAD no frequency). This variant has not been reported in the literature in individuals affected with NOTCH1-related conditions. ClinVar contains an entry for this variant (Variation ID: 1804414). Invitae Evidence Modeling of protein sequence and biophysical properties (such as structural, functional, and spatial information, amino acid conservation, physicochemical variation, residue mobility, and thermodynamic stability) indicates that this missense variant is not expected to disrupt NOTCH1 protein function with a negative predictive value of 80%. In summary, the available evidence is currently insufficient to determine the role of this variant in disease. Therefore, it has been classified as a Variant of Uncertain Significance.

NM_017617.5(NOTCH1):c.4478C>T (p.Ser1493Phe)

Gene: NOTCH1 (notch receptor 1; minus strand). Cytogenetic location: 9q34.3.
Variant type: single nucleotide variant.
Coding change: c.4478C>T on transcript NM_017617.5 (MANE Select); coding-DNA position 4478, C replaced by T.
Protein change: p.Ser1493Phe; replaces serine 1493 with phenylalanine.
Molecular consequence: missense variant.
Genome position (GRCh38, 1-based): chr9:136,505,418, G>A on the plus strand (C>T on the coding strand, the complement: NOTCH1 is on the minus strand). VCF-style: chr9-136505418-G-A. GRCh37 (hg19) VCF-style: chr9-139399870-G-A.
Other names: short protein forms S1493F.
Identifiers: ClinVar variation 1804414 (VCV001804414.4), dbSNP rs553265305, ClinGen allele CA201644588.